The following is an entry in ClinVar:

NM_001379286.1(ZNF423):c.3368G>A (p.Arg1123Gln)

Gene: ZNF423 (zinc finger protein 423; minus strand). Cytogenetic location: 16q12.1.
Variant type: single nucleotide variant.
Coding change: c.3368G>A on transcript NM_001379286.1 (MANE Select); coding-DNA position 3368, G replaced by A.
Protein change: p.Arg1123Gln; replaces arginine 1123 with glutamine.
Molecular consequence: missense variant.
Genome position (GRCh38, 1-based): chr16:49,635,808, C>T on the plus strand (G>A on the coding strand, the complement: ZNF423 is on the minus strand). VCF-style: chr16-49635808-C-T. GRCh37 (hg19) VCF-style: chr16-49669719-C-T.
Other names: c.3164G>A, p.Arg1055Gln (NM_001271620.2); c.2993G>A, p.Arg998Gln (NM_001330533.2); c.3344G>A, p.Arg1115Gln (NM_015069.5); c.3344G>A (NM_015069.2); short protein forms R1115Q, R1055Q, R1123Q, R998Q.
Identifiers: ClinVar variation 936537 (VCV000936537.6), dbSNP rs141996639, ClinGen allele CA8046317.

ClinVar aggregate classification (germline): Uncertain significance. Review status: criteria provided, multiple submitters, no conflicts (2 of 4 stars). 2 submissions from 2 submitters: Uncertain significance (2). Last evaluated 2024-01-23.

Conditions:
Nephronophthisis 14 (NPHP14). Identifiers: Orphanet 2318, MedGen C3539071, MONDO:0013916, OMIM 614844.

Allele frequency attached by ClinVar (database versions not stated): TOPMed 0.00006; ExAC 0.00008; ESP Exome Variant Server 0.00015.
gnomAD v4.1: 48 of 1,610,718 alleles (0.003%); highest among the groups gnomAD compares: Admixed American, 0.013%; no homozygotes.

Submissions (2):

Ambry Genetics
Classification: Uncertain significance. Last evaluated: 2024-01-23. Review status: criteria provided, single submitter. Criteria: Ambry Variant Classification Scheme 2023. Collection method: clinical testing. Allele origin: germline.

Labcorp Genetics (formerly Invitae), Labcorp
Classification: Uncertain significance for Nephronophthisis 14. Last evaluated: 2023-06-26. Review status: criteria provided, single submitter. Criteria: Invitae Variant Classification Sherloc (09022015). Collection method: clinical testing. Allele origin: germline.
Comment: Advanced modeling of protein sequence and biophysical properties (such as structural, functional, and spatial information, amino acid conservation, physicochemical variation, residue mobility, and thermodynamic stability) performed at Invitae indicates that this missense variant is not expected to disrupt ZNF423 protein function. In summary, the available evidence is currently insufficient to determine the role of this variant in disease. Therefore, it has been classified as a Variant of Uncertain Significance. ClinVar contains an entry for this variant (Variation ID: 936537). This variant has not been reported in the literature in individuals affected with ZNF423-related conditions. This variant is present in population databases (rs141996639, gnomAD 0.02%). This sequence change replaces arginine, which is basic and polar, with glutamine, which is neutral and polar, at codon 1115 of the ZNF423 protein (p.Arg1115Gln).